The following is an entry in ClinVar:

NM_007294.4(BRCA1):c.3161_3164dup (p.Ser1056fs)

Gene: BRCA1 (BRCA1 DNA repair associated; minus strand). Cytogenetic location: 17q21.31.
Variant type: Duplication.
Coding change: c.3161_3164dup on transcript NM_007294.4 (MANE Select); coding-DNA positions 3161 to 3164, 4 bases duplicated (TGGG; older notation c.3161_3164dupTGGG).
Protein change: p.Ser1056fs; shifts the reading frame from serine 1056.
Molecular consequence: frameshift variant. On other transcripts: intron variant (137).
Genome position (GRCh38, 1-based): chr17:43,092,367-43,092,370, CCCA duplicated on the plus strand (TGGG on the coding strand, the reverse complement: BRCA1 is on the minus strand); duplicating any 4 consecutive bases within chr17:43,092,367-43,092,371 gives the same sequence; the c. name uses the placement nearest the transcript's 3' end. VCF-style (leftmost placement, unchanged base first): chr17-43092366-G-GCCCA. GRCh37 (hg19) VCF-style: chr17-41244383-G-GCCCA.
Other names: c.3161_3164dup, p.Ser1056fs (NM_001407616.1, NM_001407620.1, NM_001407622.1 and 30 more transcripts); c.3161_3164dupTGGG (NM_007294.3); c.2273_2276dup, p.Ser760fs (NM_001407966.1, NM_001407967.1); c.3020_3023dup, p.Ser1009fs (NM_007297.4, NM_001407692.1, NM_001407694.1 and 29 more transcripts); c.647-1338_647-1335dup (NM_001408458.1, NM_001408469.1, NM_001408453.1 and 11 more transcripts); c.284-1338_284-1335dup (NM_001408512.1); c.407-1338_407-1335dup (NM_001408510.1); c.644-1338_644-1335dup (NM_001408470.1, NM_001408464.1, NM_001408468.1 and 3 more transcripts); and 42 more; short protein forms S1056fs, S1009fs, S1008fs, S1015fs, S1030fs, S1053fs, S1055fs, S986fs.
Identifiers: ClinVar variation 572059 (VCV000572059.8), dbSNP rs1567792675, ClinGen allele CA891843727.
Genomic context (GRCh38, chr17:43,092,366, plus strand): 5'-GTTTCTACCTAGTTCTGCTTGAATGTTTTCATCACTGGAACCTATTTCATTAATACTGGA[G>GCCCA]CCCACTTCATTAGTACTGGAACCTACTTCATTAATATTGCTTGAGCTGGCTTCTTTAAAA-3'

ClinVar aggregate classification (germline): Pathogenic (1 of 4 stars; one submission).

Conditions:
Hereditary breast ovarian cancer syndrome. Also called: Hereditary breast and ovarian cancer syndrome; Breast and ovarian cancer; Hereditary breast and ovarian cancer; Hereditary breast and/or ovarian cancer syndrome; Hereditary breast and ovarian cancer syndrome (HBOC); BRCA1- and BRCA2-Associated Hereditary Breast and Ovarian Cancer. Identifiers: Orphanet 145, MedGen C0677776, MeSH D061325, MONDO:0003582. Disease mechanism: loss of function.

Submission:

Labcorp Genetics (formerly Invitae), Labcorp
Classification: Pathogenic for Hereditary breast ovarian cancer syndrome. Last evaluated: 2018-03-28. Review status: criteria provided, single submitter. Criteria: Invitae Variant Classification Sherloc (09022015). Collection method: clinical testing. Allele origin: germline.
Comment: This sequence change creates a premature translational stop signal (p.Ser1056Glyfs*5) in the BRCA1 gene. It is expected to result in an absent or disrupted protein product. This variant is not present in population databases (ExAC no frequency). This variant has not been reported in the literature in individuals with BRCA1-related disease. Loss-of-function variants in BRCA1 are known to be pathogenic (PMID: 20104584). For these reasons, this variant has been classified as Pathogenic.

Literature cited by the submitters: PubMed 20104584.